The following is an entry in ClinVar:

ClinVar aggregate classification (germline): Benign/Likely benign. Review status: criteria provided, multiple submitters, no conflicts (2 of 4 stars). 6 submissions from 6 submitters: Benign (1); Likely benign (5). Last evaluated 2025-10-18.

Conditions:
Hereditary cancer-predisposing syndrome. Also called: Hereditary Cancer Syndrome; Neoplastic Syndromes, Hereditary; Tumor predisposition; Hereditary neoplastic syndrome. Identifiers: Orphanet 140162, MedGen C0027672, MeSH D009386, MONDO:0015356.
Fanconi anemia complementation group J. Also called: BRIP1-Related Fanconi Anemia. Identifiers: Orphanet 84, MedGen C1836860, MONDO:0012187, OMIM 609054.
Familial cancer of breast. Also called: Hereditary breast cancer; hereditary breast carcinoma; BREAST CANCER, FAMILIAL. Identifiers: Orphanet 227535, MedGen C0346153, MONDO:0016419, OMIM 114480. Disease mechanism: loss of function.

Allele frequency attached by ClinVar (database versions not stated): gnomAD 0.00002 and 0.00003; TOPMed 0.00002; gnomAD exomes 0.00003 and 0.00004; ExAC 0.00006; ESP Exome Variant Server 0.00008.
gnomAD v4.1: 21 of 1,613,904 alleles (0.0013%); highest among the groups gnomAD compares: Non-Finnish European, 0.00076%; no homozygotes.

Submissions (6):

Labcorp Genetics (formerly Invitae), Labcorp
Classification: Likely benign for Familial cancer of breast; Fanconi anemia complementation group J. Last evaluated: 2025-10-18. Review status: criteria provided, single submitter. Criteria: Invitae Variant Classification Sherloc (09022015). Collection method: clinical testing. Allele origin: germline.

Myriad Genetics, Inc.
Classification: Benign for Familial cancer of breast. Last evaluated: 2024-09-05. Review status: criteria provided, single submitter. Criteria: Myriad Autosomal Dominant, Autosomal Recessive and X-Linked Classification Criteria (2023). Collection method: clinical testing. Allele origin: unknown.
Comment: This variant is considered benign. This variant is a silent/synonymous amino acid change and it is not expected to impact splicing.

Women's Health and Genetics/Laboratory Corporation of America, LabCorp
Classification: Likely benign. Last evaluated: 2019-08-28. Review status: criteria provided, single submitter. Criteria: LabCorp Variant Classification Summary - May 2015. Collection method: clinical testing. Allele origin: germline.

GeneDx
Classification: Likely benign. Last evaluated: 2018-01-09. Review status: criteria provided, single submitter. Criteria: GeneDx Variant Classification (06012015). Collection method: clinical testing. Allele origin: germline. Affected: yes.
Comment: This variant is considered likely benign or benign based on one or more of the following criteria: it is a conservative change, it occurs at a poorly conserved position in the protein, it is predicted to be benign by multiple in silico algorithms, and/or has population frequency not consistent with disease.

Color Diagnostics, LLC DBA Color Health
Classification: Likely benign for Hereditary cancer-predisposing syndrome. Last evaluated: 2017-10-20. Review status: criteria provided, single submitter. Criteria: ACMG Guidelines, 2015. Collection method: clinical testing. Allele origin: germline.

Ambry Genetics
Classification: Likely benign for Hereditary cancer-predisposing syndrome. Last evaluated: 2015-05-31. Review status: criteria provided, single submitter. Criteria: Ambry Variant Classification Scheme 2023. Collection method: clinical testing. Allele origin: germline.

NM_032043.3(BRIP1):c.2751T>C (p.Ser917=)

Gene: BRIP1 (BRCA1 interacting DNA helicase 1; minus strand). Cytogenetic location: 17q23.2.
Variant type: single nucleotide variant.
Coding change: c.2751T>C on transcript NM_032043.3 (MANE Select); coding-DNA position 2751, T replaced by C.
Protein change: p.Ser917=; no amino-acid change (serine 917 retained).
Molecular consequence: synonymous variant.
Genome position (GRCh38, 1-based): chr17:61,685,990, A>G on the plus strand (T>C on the coding strand, the complement: BRIP1 is on the minus strand). VCF-style: chr17-61685990-A-G. GRCh37 (hg19) VCF-style: chr17-59763351-A-G.
Identifiers: ClinVar variation 231959 (VCV000231959.22), dbSNP rs150780318, ClinGen allele CA8690458.